The following is an entry in ClinVar:

NM_000243.3(MEFV):c.1760-121A>G

Genes: MEFV (MEFV innate immunity regulator, pyrin; minus strand), LOC126862264 (CDK7 strongly-dependent group 2 enhancer GRCh37_chr16:3293322-3294521; plus strand). Cytogenetic location: 16p13.3.
Variant type: single nucleotide variant.
Coding change: c.1760-121A>G on transcript NM_000243.3 (MANE Select); 121 bases into the intron before coding-DNA position 1760, A replaced by G.
Molecular consequence: intron variant. On other transcripts: missense variant (1).
Genome position (GRCh38, 1-based): chr16:3,244,013, T>C on the plus strand (A>G on the coding strand, the complement: MEFV is on the minus strand). VCF-style: chr16-3244013-T-C. GRCh37 (hg19) VCF-style: chr16-3294013-T-C.
Other names: c.1181A>G, p.His394Arg (NM_001198536.2); short protein forms H394R.
Identifiers: ClinVar variation 3058657 (VCV003058657.4), dbSNP rs753528872, ClinGen allele CA7859968.

ClinVar aggregate classification (germline): Conflicting classifications of pathogenicity. Review status: criteria provided, conflicting classifications (1 of 4 stars). 2 submissions from 2 submitters: Uncertain significance (1); Likely benign (1). Last evaluated 2025-09-10.

Conditions:
MEFV-related disorder. Also called: MEFV-related disorders; MEFV-related condition.

Allele frequency attached by ClinVar (database versions not stated): gnomAD 0.00029; TOPMed 0.00032; ExAC 0.00039.
gnomAD v4.1: 706 of 1,558,226 alleles (0.045%); highest among the groups gnomAD compares: Middle Eastern, 0.12%; no homozygotes.

Submissions (2):

PreventionGenetics, part of Exact Sciences
Classification: Uncertain significance for MEFV-related condition. Last evaluated: 2025-09-10. Review status: criteria provided, single submitter. Criteria: ACMG Guidelines, 2015. Collection method: clinical testing. Allele origin: germline.
Comment: The MEFV c.1181A>G variant is predicted to result in the amino acid substitution p.His394Arg. This variant has been reported in an individual with tumor necrosis factor-alpha receptor-associated periodic fever syndrome (Sözeri et al. 2021. PubMed ID: 33165748). This variant is reported in 0.046% of alleles in individuals of Latino descent in gnomAD. At this time, the clinical significance of this variant is uncertain due to the absence of conclusive functional and genetic evidence.

Blueprint Genetics
Classification: Likely benign. Last evaluated: 2024-10-11. Review status: criteria provided, single submitter. Criteria: ACMG Guidelines, 2015. Collection method: clinical testing. Allele origin: germline.